The following is an entry in ClinVar:

NM_000020.3(ACVRL1):c.626-1G>T

Gene: ACVRL1 (activin A receptor like type 1; plus strand). Cytogenetic location: 12q13.13.
Variant type: single nucleotide variant.
Coding change: c.626-1G>T on transcript NM_000020.3 (MANE Select); the canonical splice acceptor site of the intron before coding-DNA position 626, G replaced by T.
Molecular consequence: splice acceptor variant.
Genome position (GRCh38, 1-based): chr12:51,914,438, G>T. VCF-style: chr12-51914438-G-T. GRCh37 (hg19) VCF-style: chr12-52308222-G-T.
Other names: c.626-1G>T (NM_001406487.1, NM_001406488.1, NM_001077401.2 and 1 more transcripts); c.314-1G>T (NM_001406491.1, NM_001406490.1, NM_001406492.1 and 2 more transcripts); c.62-1G>T (NM_001406495.1).
Identifiers: ClinVar variation 3338273 (VCV003338273.1).

ClinVar aggregate classification (germline): Likely pathogenic (1 of 4 stars; one submission).

Conditions:
Telangiectasia, hereditary hemorrhagic, type 2 (HHT2). Also called: Telangiectasia, hereditary hemorrhagic, type II; ACVRL1-Related Hereditary Hemorrhagic Telangiectasia. Identifiers: Orphanet 774, MedGen C1838163, MONDO:0010880, OMIM 600376. Disease mechanism: loss of function.

Submission:

Institute of Human Genetics, University of Goettingen
Classification: Likely pathogenic for Telangiectasia, hereditary hemorrhagic, type 2. Last evaluated: 2024-08-12. Review status: criteria provided, single submitter. Criteria: ACMG Guidelines, 2015. Collection method: clinical testing. Allele origin: germline. Inheritance: Autosomal dominant inheritance. Affected: yes. Observed: 1 heterozygote.
Comment: PVS1, PM2_sup